The following is an entry in ClinVar:

NM_014159.7(SETD2):c.2454G>T (p.Lys818Asn)

Gene: SETD2 (SET domain containing 2, histone lysine methyltransferase; minus strand). Cytogenetic location: 3p21.31.
Variant type: single nucleotide variant.
Coding change: c.2454G>T on transcript NM_014159.7 (MANE Select); coding-DNA position 2454, G replaced by T.
Protein change: p.Lys818Asn; replaces lysine 818 with asparagine.
Molecular consequence: missense variant. On other transcripts: non-coding transcript variant (1).
Genome position (GRCh38, 1-based): chr3:47,122,182, C>A on the plus strand (G>T on the coding strand, the complement: SETD2 is on the minus strand). VCF-style: chr3-47122182-C-A. GRCh37 (hg19) VCF-style: chr3-47163672-C-A.
Other names: c.2322G>T, p.Lys774Asn (NM_001349370.3); short protein forms K774N, K818N.
Identifiers: ClinVar variation 3025431 (VCV003025431.22), dbSNP rs2106671364, ClinGen allele CA352526407.

ClinVar aggregate classification (germline): Uncertain significance (1 of 4 stars; one submission).

Submission:

CeGaT Center for Human Genetics Tuebingen
Classification: Uncertain significance. Last evaluated: 2024-02-01. Review status: criteria provided, single submitter. Criteria: CeGaT Center For Human Genetics Tuebingen Variant Classification Criteria Version 2. Collection method: clinical testing. Allele origin: germline. Affected: yes. Observed: 1 variant allele.
Comment: SETD2: PM2, BP4